The following is an entry in ClinVar:

NM_001385641.1(SAMD11):c.1367C>T (p.Pro456Leu)

Gene: SAMD11 (sterile alpha motif domain containing 11; plus strand). Cytogenetic location: 1p36.33.
Variant type: single nucleotide variant.
Coding change: c.1367C>T on transcript NM_001385641.1 (MANE Select); coding-DNA position 1367, C replaced by T.
Protein change: p.Pro456Leu; replaces proline 456 with leucine.
Molecular consequence: missense variant.
Genome position (GRCh38, 1-based): chr1:942,144, C>T. VCF-style: chr1-942144-C-T. GRCh37 (hg19) VCF-style: chr1-877524-C-T.
Other names: c.1370C>T, p.Pro457Leu (NM_001385640.1); c.878C>T, p.Pro293Leu (NM_152486.4); short protein forms P293L, P456L, P457L.
Identifiers: ClinVar variation 969167 (VCV000969167.8), dbSNP rs1222949810, ClinGen allele CA337806058.

ClinVar aggregate classification (germline): Uncertain significance. Review status: criteria provided, multiple submitters, no conflicts (2 of 4 stars). 2 submissions from 2 submitters: Uncertain significance (2). Last evaluated 2024-11-18.

Allele frequency attached by ClinVar (database versions not stated): gnomAD 0.00001; TOPMed 0.00001.
gnomAD v4.1: 10 of 1,356,066 alleles (0.00074%); highest among the groups gnomAD compares: Non-Finnish European, 0.00098%; no homozygotes.

Submissions (2):

Blueprint Genetics
Classification: Uncertain significance. Last evaluated: 2024-11-18. Review status: criteria provided, single submitter. Criteria: ACMG Guidelines, 2015. Collection method: clinical testing. Allele origin: germline.

Labcorp Genetics (formerly Invitae), Labcorp
Classification: Uncertain significance. Last evaluated: 2021-08-24. Review status: criteria provided, single submitter. Criteria: Invitae Variant Classification Sherloc (09022015). Collection method: clinical testing. Allele origin: germline.
Comment: This sequence change replaces proline with leucine at codon 293 of the SAMD11 protein (p.Pro293Leu). The proline residue is weakly conserved and there is a moderate physicochemical difference between proline and leucine. The frequency data for this variant in the population databases is considered unreliable, as metrics indicate insufficient coverage at this position in the ExAC database. This variant has not been reported in the literature in individuals affected with SAMD11-related conditions. Algorithms developed to predict the effect of missense changes on protein structure and function (SIFT, PolyPhen-2, Align-GVGD) all suggest that this variant is likely to be tolerated. In summary, the available evidence is currently insufficient to determine the role of this variant in disease. Therefore, it has been classified as a Variant of Uncertain Significance.